The following is an entry in ClinVar:

ClinVar aggregate classification (germline): Likely benign (0 of 4 stars; one submission).

Conditions:
PHIP-related disorder. Also called: PHIP-related disorders; PHIP-related condition.

Submission:

PreventionGenetics, part of Exact Sciences
Classification: Likely benign for PHIP-related condition. Last evaluated: 2021-09-02. Review status: no assertion criteria provided. Collection method: clinical testing. Allele origin: germline.
Comment: This variant is classified as likely benign based on ACMG/AMP sequence variant interpretation guidelines (Richards et al. 2015 PMID: 25741868, with internal and published modifications).

NM_017934.7(PHIP):c.3656+1234_3656+1239del

Genes: IRAK1BP1 (interleukin 1 receptor associated kinase 1 binding protein 1; plus strand), PHIP (PHIP subunit of CUL4-Ring ligase complex; minus strand). Cytogenetic location: 6q14.1.
Variant type: Deletion.
Coding change: c.3656+1234_3656+1239del on transcript NM_017934.7 (MANE Select); bases 1234 to 1239 of the intron after coding-DNA position 3656, 6 bases deleted (AAAAAA; older notation c.3656+1234_3656+1239delAAAAAA).
Molecular consequence: intron variant.
Genome position (GRCh38, 1-based): chr6:78,960,451-78,960,456, TTTTTT deleted on the plus strand (AAAAAA on the coding strand, the reverse complement: PHIP is on the minus strand); deleting any 6 consecutive bases within chr6:78,960,451-78,960,466 gives the same sequence; the c. name uses the placement nearest the transcript's 3' end. VCF-style (leftmost placement, unchanged base first): chr6-78960450-CTTTTTT-C. GRCh37 (hg19) VCF-style: chr6-79670167-CTTTTTT-C.
Identifiers: ClinVar variation 3058121 (VCV003058121.2), dbSNP rs1208567579, ClinGen allele CA828420157.
Genomic context (GRCh38, chr6:78,960,450, plus strand): 5'-ATTTCCAATCTTTAGCAATTTAAGGGGTCAAGGGAGAAAGAGGAATATAGTTAGGAATTC[CTTTTTT>C]TTTTTTTTTTCTCTTAAACTTCCAACACCTGATATTGAAAAAGACTTGAAGAATGCTTTG-3'